The following is an entry in ClinVar:

ClinVar aggregate classification (germline): Uncertain significance (1 of 4 stars; one submission).

Conditions:
Early-infantile DEE. Also called: Early infantile epileptic encephalopathy; Early infantile epileptic encephalopathy with suppression bursts; Ohtahara syndrome. Identifiers: Orphanet 1934, MedGen C0393706, MONDO:0800491.

Allele frequency attached by ClinVar (database versions not stated): gnomAD 0.00001; TOPMed 0.00001; gnomAD exomes 0.00001; ExAC 0.00001.
gnomAD v4.1: 8 of 1,605,652 alleles (0.0005%); highest among the groups gnomAD compares: Non-Finnish European, 0.00068%; no homozygotes.

Submission:

Labcorp Genetics (formerly Invitae), Labcorp
Classification: Uncertain significance for Early-infantile DEE. Last evaluated: 2023-08-16. Review status: criteria provided, single submitter. Criteria: Invitae Variant Classification Sherloc (09022015). Collection method: clinical testing. Allele origin: germline.
Comment: This sequence change replaces leucine, which is neutral and non-polar, with phenylalanine, which is neutral and non-polar, at codon 483 of the SCN8A protein (p.Leu483Phe). In summary, the available evidence is currently insufficient to determine the role of this variant in disease. Therefore, it has been classified as a Variant of Uncertain Significance. Experimental studies have shown that this missense change does not substantially affect SCN8A function (PMID: 31402610). Advanced modeling of protein sequence and biophysical properties (such as structural, functional, and spatial information, amino acid conservation, physicochemical variation, residue mobility, and thermodynamic stability) performed at Invitae indicates that this missense variant is not expected to disrupt SCN8A protein function. This variant has not been reported in the literature in individuals affected with SCN8A-related conditions. This variant is present in population databases (rs775328249, gnomAD 0.001%).

Literature cited by the submitters: PubMed 31402610.

NM_001330260.2(SCN8A):c.1447C>T (p.Leu483Phe)

Gene: SCN8A (sodium voltage-gated channel alpha subunit 8; plus strand). Cytogenetic location: 12q13.13.
Variant type: single nucleotide variant.
Coding change: c.1447C>T on transcript NM_001330260.2 (MANE Select); coding-DNA position 1447, C replaced by T.
Protein change: p.Leu483Phe; replaces leucine 483 with phenylalanine.
Molecular consequence: missense variant.
Genome position (GRCh38, 1-based): chr12:51,706,527, C>T. VCF-style: chr12-51706527-C-T. GRCh37 (hg19) VCF-style: chr12-52100311-C-T.
Other names: c.1447C>T, p.Leu483Phe (NM_001177984.3, NM_001369788.1, NM_014191.4); short protein forms L483F.
Identifiers: ClinVar variation 2846046 (VCV002846046.3), dbSNP rs775328249, ClinGen allele CA6571263.